The following is an entry in ClinVar:

NM_207391.3(RGS9BP):c.29T>C (p.Leu10Pro)

Gene: RGS9BP (regulator of G protein signaling 9 binding protein; plus strand). Cytogenetic location: 19q13.11.
Variant type: single nucleotide variant.
Coding change: c.29T>C on transcript NM_207391.3 (MANE Select); coding-DNA position 29, T replaced by C.
Protein change: p.Leu10Pro; replaces leucine 10 with proline.
Molecular consequence: missense variant.
Genome position (GRCh38, 1-based): chr19:32,676,292, T>C. VCF-style: chr19-32676292-T-C. GRCh37 (hg19) VCF-style: chr19-33167198-T-C.
Other names: short protein forms L10P.
Identifiers: ClinVar variation 2000150 (VCV002000150.4), dbSNP rs773412269, ClinGen allele CA405185192.

ClinVar aggregate classification (germline): Uncertain significance (1 of 4 stars; one submission).

Submission:

Labcorp Genetics (formerly Invitae), Labcorp
Classification: Uncertain significance. Last evaluated: 2024-10-29. Review status: criteria provided, single submitter. Criteria: Invitae Variant Classification Sherloc (09022015). Collection method: clinical testing. Allele origin: germline.
Comment: This sequence change replaces leucine, which is neutral and non-polar, with proline, which is neutral and non-polar, at codon 10 of the RGS9BP protein (p.Leu10Pro). This variant is not present in population databases (gnomAD no frequency). This variant has not been reported in the literature in individuals affected with RGS9BP-related conditions. ClinVar contains an entry for this variant (Variation ID: 2000150). An algorithm developed to predict the effect of missense changes on protein structure and function (PolyPhen-2) suggests that this variant is likely to be disruptive. In summary, the available evidence is currently insufficient to determine the role of this variant in disease. Therefore, it has been classified as a Variant of Uncertain Significance.